The following is an entry in ClinVar:

ClinVar aggregate classification (germline): Uncertain significance. Review status: criteria provided, multiple submitters, no conflicts (2 of 4 stars). 2 submissions from 2 submitters: Uncertain significance (2). Last evaluated 2024-04-18.

Conditions:
Inborn genetic diseases. Identifiers: MedGen C0950123, MeSH D030342.

Allele frequency attached by ClinVar (database versions not stated): gnomAD exomes below 0.00001.
gnomAD v4.1: 3 of 1,326,530 alleles (0.00023%); highest among the groups gnomAD compares: South Asian, 0.0032%; no homozygotes.

Submissions (2):

Labcorp Genetics (formerly Invitae), Labcorp
Classification: Uncertain significance. Last evaluated: 2024-04-18. Review status: criteria provided, single submitter. Criteria: Invitae Variant Classification Sherloc (09022015). Collection method: clinical testing. Allele origin: germline.
Comment: This sequence change replaces methionine, which is neutral and non-polar, with valine, which is neutral and non-polar, at codon 479 of the ARID1B protein (p.Met479Val). The frequency data for this variant in the population databases is considered unreliable, as metrics indicate insufficient coverage at this position in the gnomAD database. This variant has not been reported in the literature in individuals affected with ARID1B-related conditions. ClinVar contains an entry for this variant (Variation ID: 1910692). An algorithm developed to predict the effect of missense changes on protein structure and function (PolyPhen-2) suggests that this variant is likely to be tolerated. In summary, the available evidence is currently insufficient to determine the role of this variant in disease. Therefore, it has been classified as a Variant of Uncertain Significance.

Ambry Genetics
Classification: Uncertain significance for Inborn genetic diseases. Last evaluated: 2023-05-17. Review status: criteria provided, single submitter. Criteria: Ambry Variant Classification Scheme 2023. Collection method: clinical testing. Allele origin: germline.

NM_001374828.1(ARID1B):c.1684A>G (p.Met562Val)

Gene: ARID1B (AT-rich interaction domain 1B; plus strand). Cytogenetic location: 6q25.3.
Variant type: single nucleotide variant.
Coding change: c.1684A>G on transcript NM_001374828.1 (MANE Select); coding-DNA position 1684, A replaced by G.
Protein change: p.Met562Val; replaces methionine 562 with valine.
Molecular consequence: missense variant.
Genome position (GRCh38, 1-based): chr6:156,779,364, A>G. VCF-style: chr6-156779364-A-G. GRCh37 (hg19) VCF-style: chr6-157100498-A-G.
Other names: c.1435A>G, p.Met479Val (NM_001346813.1, NM_020732.3); c.1684A>G, p.Met562Val (NM_001371656.1, NM_001374820.1, NM_017519.3); c.1261A>G, p.Met421Val (NM_175863.2); short protein forms M421V, M479V, M562V.
Identifiers: ClinVar variation 1910692 (VCV001910692.7), dbSNP rs1779014525, ClinGen allele CA366385391.